The following is an entry in ClinVar:

NM_001010892.3(RSPH4A):c.1246G>T (p.Ala416Ser)

Gene: RSPH4A (radial spoke head component 4A; plus strand). Cytogenetic location: 6q22.1.
Variant type: single nucleotide variant.
Coding change: c.1246G>T on transcript NM_001010892.3 (MANE Select); coding-DNA position 1246, G replaced by T.
Protein change: p.Ala416Ser; replaces alanine 416 with serine.
Molecular consequence: missense variant.
Genome position (GRCh38, 1-based): chr6:116,627,953, G>T. VCF-style: chr6-116627953-G-T. GRCh37 (hg19) VCF-style: chr6-116949116-G-T.
Other names: c.1246G>T, p.Ala416Ser (NM_001161664.2); short protein forms A416S.
Identifiers: ClinVar variation 1759665 (VCV001759665.2), dbSNP rs765312681, ClinGen allele CA3970911.

ClinVar aggregate classification (germline): Uncertain significance (1 of 4 stars; one submission).

Conditions:
Primary ciliary dyskinesia. Also called: Ciliary dyskinesia. Identifiers: Orphanet 244, MedGen C0008780, MONDO:0016575, HP:0012265.

Allele frequency attached by ClinVar (database versions not stated): ExAC 0.00001; gnomAD 0.00001.
gnomAD v4.1: 1 of 1,614,032 alleles (0.000062%); highest among the groups gnomAD compares: Non-Finnish European, 0.000085%; no homozygotes.

Submission:

Ambry Genetics
Classification: Uncertain significance for Primary ciliary dyskinesia. Last evaluated: 2020-12-11. Review status: criteria provided, single submitter. Criteria: Ambry Variant Classification Scheme 2023. Collection method: clinical testing. Allele origin: germline.
Comment: The p.A416S variant (also known as c.1246G>T), located in coding exon 3 of the RSPH4A gene, results from a G to T substitution at nucleotide position 1246. The alanine at codon 416 is replaced by serine, an amino acid with similar properties. This amino acid position is poorly conserved in available vertebrate species. In addition, this alteration is predicted to be tolerated by in silico analysis. Since supporting evidence is limited at this time, the clinical significance of this alteration remains unclear.